The following is an entry in ClinVar:

NM_003737.4(DCHS1):c.4235C>T (p.Pro1412Leu)

Gene: DCHS1 (dachsous cadherin-related 1; minus strand). Cytogenetic location: 11p15.4.
Variant type: single nucleotide variant.
Coding change: c.4235C>T on transcript NM_003737.4 (MANE Select); coding-DNA position 4235, C replaced by T.
Protein change: p.Pro1412Leu; replaces proline 1412 with leucine.
Molecular consequence: missense variant.
Genome position (GRCh38, 1-based): chr11:6,630,559, G>A on the plus strand (C>T on the coding strand, the complement: DCHS1 is on the minus strand). VCF-style: chr11-6630559-G-A. GRCh37 (hg19) VCF-style: chr11-6651790-G-A.
Other names: short protein forms P1412L.
Identifiers: ClinVar variation 2048090 (VCV002048090.4), dbSNP rs771038458, ClinGen allele CA5860357.
Genomic context (GRCh38, chr11:6,630,559, plus strand): 5'-TGCTCATTCTCGTCCTGCACTTGCACCTGCACTCGCAGCAGCCGCGCGCCCGCGCCTCCC[G>A]GCCCCTCAGCGCGTACCGTAAGCGCGCGCCACGGCGGGCCAGCTTCGAAGTCCAGGGGCC-3'
Protein context (NP_003728.1, residues 1402-1422): WRALTVRAEG[Pro1412Leu]GGAGARLLRV

ClinVar aggregate classification (germline): Uncertain significance (1 of 4 stars; one submission).

Allele frequency attached by ClinVar (database versions not stated): gnomAD exomes below 0.00001; TOPMed below 0.00001; ExAC 0.00007.

Submission:

Labcorp Genetics (formerly Invitae), Labcorp
Classification: Uncertain significance. Last evaluated: 2022-08-26. Review status: criteria provided, single submitter. Criteria: Invitae Variant Classification Sherloc (09022015). Collection method: clinical testing. Allele origin: germline.
Comment: This sequence change replaces proline, which is neutral and non-polar, with leucine, which is neutral and non-polar, at codon 1412 of the DCHS1 protein (p.Pro1412Leu). The frequency data for this variant in the population databases is considered unreliable, as metrics indicate poor data quality at this position in the gnomAD database. This variant has not been reported in the literature in individuals affected with DCHS1-related conditions. Advanced modeling of protein sequence and biophysical properties (such as structural, functional, and spatial information, amino acid conservation, physicochemical variation, residue mobility, and thermodynamic stability) performed at Invitae indicates that this missense variant is not expected to disrupt DCHS1 protein function. In summary, the available evidence is currently insufficient to determine the role of this variant in disease. Therefore, it has been classified as a Variant of Uncertain Significance.